The following is an entry in ClinVar:

ClinVar aggregate classification (germline): Uncertain significance (1 of 4 stars; one submission).

Conditions:
Primary ciliary dyskinesia. Also called: Ciliary dyskinesia. Identifiers: Orphanet 244, MedGen C0008780, MONDO:0016575, HP:0012265.

Allele frequency attached by ClinVar (database versions not stated): gnomAD exomes below 0.00001.
gnomAD v4.1: 1 of 1,604,442 alleles (0.000062%); highest among the groups gnomAD compares: Admixed American, 0.0017%; no homozygotes.

Submission:

Ambry Genetics
Classification: Uncertain significance for Primary ciliary dyskinesia. Last evaluated: 2022-02-20. Review status: criteria provided, single submitter. Criteria: Ambry Variant Classification Scheme 2023. Collection method: clinical testing. Allele origin: germline.
Comment: The c.1194+3A>G intronic variant results from an A to G substitution 3 nucleotides after coding exon 6 in the DNAH11 gene. This nucleotide position is well conserved in available vertebrate species. In silico splice site analysis predicts that this alteration will weaken the native splice donor site and may result in the creation or strengthening of a novel splice donor site. Since supporting evidence is limited at this time, the clinical significance of this alteration remains unclear.

NM_001277115.2(DNAH11):c.1194+3A>G

Gene: DNAH11 (dynein axonemal heavy chain 11; plus strand). Cytogenetic location: 7p15.3.
Variant type: single nucleotide variant.
Coding change: c.1194+3A>G on transcript NM_001277115.2 (MANE Select); 3 bases into the intron after coding-DNA position 1194, A replaced by G.
Molecular consequence: intron variant.
Genome position (GRCh38, 1-based): chr7:21,564,400, A>G. VCF-style: chr7-21564400-A-G. GRCh37 (hg19) VCF-style: chr7-21604018-A-G.
Identifiers: ClinVar variation 1745517 (VCV001745517.2), dbSNP rs1267498574, ClinGen allele CA573292180.